The following is an entry in ClinVar:

NM_001190274.2(FBXO11):c.2105A>T (p.Asn702Ile)

Gene: FBXO11 (F-box protein 11; minus strand). Cytogenetic location: 2p16.3.
Variant type: single nucleotide variant.
Coding change: c.2105A>T on transcript NM_001190274.2 (MANE Select); coding-DNA position 2105, A replaced by T.
Protein change: p.Asn702Ile; replaces asparagine 702 with isoleucine.
Molecular consequence: missense variant.
Genome position (GRCh38, 1-based): chr2:47,813,356, T>A on the plus strand (A>T on the coding strand, the complement: FBXO11 is on the minus strand). VCF-style: chr2-47813356-T-A. GRCh37 (hg19) VCF-style: chr2-48040495-T-A.
Other names: c.1853A>T, p.Asn618Ile (NM_001374325.1, NM_025133.4); short protein forms N618I, N702I.
Identifiers: ClinVar variation 3278085 (VCV003278085.2).
Genomic context (GRCh38, chr2:47,813,356, plus strand): 5'-AGTGTAGGATTACTATCTGTCTTAATCCAGACTCCAGCCATTGCATTGTCAAATATTTCA[T>A]TGTCTTCTATACAGCCTAGACCTATAAATGCAAAAATGTAGGTTATCTAGAAGGTATATT-3'
Protein context (NP_001177203.1, residues 692-712): YNSGLGCIED[Asn702Ile]EIFDNAMAGV

ClinVar aggregate classification (germline): Likely pathogenic (1 of 4 stars; one submission).

Conditions:
Inborn genetic diseases. Identifiers: MedGen C0950123, MeSH D030342.

Submission:

Ambry Genetics
Classification: Likely pathogenic for Inborn genetic diseases. Last evaluated: 2024-07-29. Review status: criteria provided, single submitter. Criteria: Ambry Variant Classification Scheme 2023. Collection method: clinical testing. Allele origin: germline.
Comment: The c.2105A>T (p.N702I) alteration is located in exon 18 (coding exon 18) of the FBXO11 gene. This alteration results from an A to T substitution at nucleotide position 2105, causing the asparagine (N) at amino acid position 702 to be replaced by an isoleucine (I). This variant was not reported in population-based cohorts in the Genome Aggregation Database (gnomAD). This amino acid position is highly conserved in available vertebrate species. This missense alteration is located in a region that has a low rate of benign missense variation (Lek, 2016; Firth, 2009). This alteration is predicted to be deleterious by in silico analysis. Based on the available evidence, this alteration is classified as likely pathogenic.